The following is an entry in ClinVar:

NM_025137.4(SPG11):c.3571T>A (p.Tyr1191Asn)

Gene: SPG11 (SPG11 vesicle trafficking associated, spatacsin; minus strand). Cytogenetic location: 15q21.1.
Variant type: single nucleotide variant.
Coding change: c.3571T>A on transcript NM_025137.4 (MANE Select); coding-DNA position 3571, T replaced by A.
Protein change: p.Tyr1191Asn; replaces tyrosine 1191 with asparagine.
Molecular consequence: missense variant.
Genome position (GRCh38, 1-based): chr15:44,600,582, A>T on the plus strand (T>A on the coding strand, the complement: SPG11 is on the minus strand). VCF-style: chr15-44600582-A-T. GRCh37 (hg19) VCF-style: chr15-44892780-A-T.
Other names: c.3571T>A, p.Tyr1191Asn (NM_001160227.2, NM_001411132.1); short protein forms Y1191N.
Identifiers: ClinVar variation 2007387 (VCV002007387.2), dbSNP rs1285695310, ClinGen allele CA392231264.

ClinVar aggregate classification (germline): Uncertain significance (1 of 4 stars; one submission).

Conditions:
Hereditary spastic paraplegia 11. Also called: Nakamura Osame syndrome; Autosomal recessive hereditary spastic paraplegia, mental impairment, and thin corpus callosum; SPASTIC PARAPLEGIA, AUTOSOMAL RECESSIVE, COMPLICATED, WITH THIN CORPUS CALLOSUM; SPASTIC PARAPLEGIA, AUTOSOMAL RECESSIVE, WITH MENTAL IMPAIRMENT AND THIN CORPUS CALLOSUM; Spastic Paraplegia 11; Spastic paraplegia, mental retardation and thin corpus callosum. Identifiers: Orphanet 2822, MedGen C1858479, MONDO:0011445, OMIM 604360.

Submission:

Labcorp Genetics (formerly Invitae), Labcorp
Classification: Uncertain significance for Hereditary spastic paraplegia 11. Last evaluated: 2022-06-16. Review status: criteria provided, single submitter. Criteria: Invitae Variant Classification Sherloc (09022015). Collection method: clinical testing. Allele origin: germline.
Comment: This variant is present in population databases (no rsID available, gnomAD 0.0009%). This sequence change replaces tyrosine, which is neutral and polar, with asparagine, which is neutral and polar, at codon 1191 of the SPG11 protein (p.Tyr1191Asn). This variant has not been reported in the literature in individuals affected with SPG11-related conditions. In summary, the available evidence is currently insufficient to determine the role of this variant in disease. Therefore, it has been classified as a Variant of Uncertain Significance. Algorithms developed to predict the effect of missense changes on protein structure and function (SIFT, PolyPhen-2, Align-GVGD) all suggest that this variant is likely to be disruptive.